The following is an entry in ClinVar:

ClinVar aggregate classification (germline): Pathogenic. Review status: reviewed by expert panel (3 of 4 stars). 5 submissions from 5 submitters: Pathogenic (1). 4 of the submissions do not count toward it. Last evaluated 2017-03-17.

Conditions:
CFTR-related disorder (CFTR-RD). Also called: CFTR-related disorders; CFTR-related condition. Identifiers: MedGen C5924204, MONDO:7770004.
Cystic fibrosis (CF). Also called: MUCOVISCIDOSIS. Identifiers: Orphanet 586, MedGen C0010674, MONDO:0009061, OMIM 219700. Disease mechanism: loss of function.
Bronchiectasis with or without elevated sweat chloride 1 (BESC1). Also called: Cystic Fibrosis-Like Syndrome. Identifiers: Orphanet 60033, MedGen C2749757, MONDO:0008887, OMIM 211400.

Allele frequency attached by ClinVar (database versions not stated): TOPMed below 0.00001.

Submissions (5):

CFTR2
Classification: Pathogenic for Cystic fibrosis. Last evaluated: 2017-03-17. Review status: reviewed by expert panel. Criteria: Sosnay PR et al. (Nat Genet 2013). Collection method: research. Allele origin: germline. Affected: yes. Study: CFTR2.

Labcorp Genetics (formerly Invitae), Labcorp
Classification: Pathogenic for Cystic fibrosis. Last evaluated: 2025-10-14. Review status: criteria provided, single submitter. Criteria: Invitae Variant Classification Sherloc (09022015). Collection method: clinical testing. Allele origin: germline. Not counted in ClinVar's aggregate classification.
Comment: This sequence change creates a premature translational stop signal (p.Ile942Thrfs*26) in the CFTR gene. It is expected to result in an absent or disrupted protein product. Loss-of-function variants in CFTR are known to be pathogenic (PMID: 1695717, 7691345, 9725922). This variant is not present in population databases (gnomAD no frequency). This premature translational stop signal has been observed in individual(s) with cystic fibrosis (PMID: 26708955). ClinVar contains an entry for this variant (Variation ID: 53574). For these reasons, this variant has been classified as Pathogenic.

Natera, Inc.
Classification: Pathogenic for CFTR-related disorders. Last evaluated: 2024-05-30. Review status: criteria provided, single submitter. Criteria: Natera Variant Classification Schema (03/2026). Collection method: clinical testing. Allele origin: germline. Not counted in ClinVar's aggregate classification.
Comment: The c.2825delT variant in CFTR is a frameshift variant predicted to shift the reading frame beginning at codon 942 and leads to a stop codon 26 codons downstream. This variant is expected to result in nonsense mediated decay, truncation, or a dysfunctional protein product. This variant is rare in the general population with a frequency below the threshold expected for the associated phenotype(s). This variant has been observed in one or more individuals affected with the associated recessive disease, as either homozygous or compound heterozygous with a second variant (PMID: 34782259). Given the available evidence, this variant is classified as Pathogenic.

Women's Health and Genetics/Laboratory Corporation of America, LabCorp
Classification: Pathogenic for Cystic fibrosis. Last evaluated: 2023-09-04. Review status: criteria provided, single submitter. Criteria: LabCorp Variant Classification Summary - May 2015. Collection method: clinical testing. Allele origin: germline. Not counted in ClinVar's aggregate classification.
Comment: Variant summary: CFTR c.2825delT (p.Ile942ThrfsX26) results in a premature termination codon, predicted to cause a truncation of the encoded protein or absence of the protein due to nonsense mediated decay, which are commonly known mechanisms for disease. The variant was absent in 251410 control chromosomes. c.2825delT has been reported in the literature in individuals affected with Cystic Fibrosis (eg. Schrijver_2016, etc). The following publication have been ascertained in the context of this evaluation (PMID: 26708955). Three submitters have cited clinical-significance assessments for this variant to ClinVar after 2014. All submitters classified the variant as pathogenic. Based on the evidence outlined above, the variant was classified as pathogenic.

Baylor Genetics
Classification: Pathogenic for Bronchiectasis with or without elevated sweat chloride 1. Last evaluated: 2023-06-12. Review status: criteria provided, single submitter. Criteria: ACMG Guidelines, 2015. Collection method: clinical testing. Allele origin: unknown. Not counted in ClinVar's aggregate classification.

Literature cited by the submitters: PubMed 1695717 (cited by Labcorp Genetics (formerly Invitae), Labcorp); PubMed 7691345 (cited by Labcorp Genetics (formerly Invitae), Labcorp); PubMed 9725922 (cited by Labcorp Genetics (formerly Invitae), Labcorp); PubMed 26708955 (cited by Labcorp Genetics (formerly Invitae), Labcorp and Women's Health and Genetics/Laboratory Corporation of America, LabCorp); PubMed 34782259 (cited by Natera, Inc.).

NM_000492.4(CFTR):c.2825del (p.Ile942fs)

Gene: CFTR (CF transmembrane conductance regulator; plus strand). Cytogenetic location: 7q31.2.
Variant type: Deletion.
Coding change: c.2825del on transcript NM_000492.4 (MANE Select); coding-DNA position 2825, one base deleted (T; older notation c.2825delT).
Protein change: p.Ile942fs; shifts the reading frame from isoleucine 942.
Molecular consequence: frameshift variant.
Genome position (GRCh38, 1-based): chr7:117,603,699, T deleted. VCF-style (leftmost placement, unchanged base first): chr7-117603698-AT-A. GRCh37 (hg19) VCF-style: chr7-117243752-AT-A.
Other names: 2957delT; c.2825delT (NM_000492.3); short protein forms I942fs.
Identifiers: ClinVar variation 53574 (VCV000053574.12), dbSNP rs397508441, ClinGen allele CA326937.
Genomic context (GRCh38, chr7:117,603,698, plus strand): 5'-GTAGCCGACACTTTGCTTGCTATGGGATTCTTCAGAGGTCTACCACTGGTGCATACTCTA[AT>A]CACAGTGTCGAAAATTTTACACCACAAAATGTTACATTCTGTTCTTCAAGCACCTATGTC-3'